The following is an entry in ClinVar:

ClinVar aggregate classification (germline): Uncertain significance (1 of 4 stars; one submission).

Allele frequency attached by ClinVar (database versions not stated): ExAC 0.00001; gnomAD 0.00001; TOPMed 0.00001.
gnomAD v4.1: 6 of 1,614,072 alleles (0.00037%); highest among the groups gnomAD compares: Admixed American, 0.0067%; no homozygotes.

Submission:

Labcorp Genetics (formerly Invitae), Labcorp
Classification: Uncertain significance. Last evaluated: 2022-06-22. Review status: criteria provided, single submitter. Criteria: Invitae Variant Classification Sherloc (09022015). Collection method: clinical testing. Allele origin: germline.
Comment: This sequence change replaces isoleucine, which is neutral and non-polar, with valine, which is neutral and non-polar, at codon 111 of the NSMCE3 protein (p.Ile111Val). This variant is present in population databases (rs761316328, gnomAD 0.01%). This variant has not been reported in the literature in individuals affected with NSMCE3-related conditions. Algorithms developed to predict the effect of missense changes on protein structure and function (SIFT, PolyPhen-2, Align-GVGD) all suggest that this variant is likely to be tolerated. In summary, the available evidence is currently insufficient to determine the role of this variant in disease. Therefore, it has been classified as a Variant of Uncertain Significance.

NM_138704.4(NSMCE3):c.331A>G (p.Ile111Val)

Genes: ENTREP2 (endosomal transmembrane epsin interactor 2; minus strand), NSMCE3 (NSE3 homolog, SMC5-SMC6 complex component; minus strand). Cytogenetic location: 15q13.1.
Variant type: single nucleotide variant.
Coding change: c.331A>G on transcript NM_138704.4 (MANE Select); coding-DNA position 331, A replaced by G.
Protein change: p.Ile111Val; replaces isoleucine 111 with valine.
Molecular consequence: missense variant. On other transcripts: intron variant (5).
Genome position (GRCh38, 1-based): chr15:29,269,375, T>C on the plus strand (A>G on the coding strand, the complement: NSMCE3 is on the minus strand). VCF-style: chr15-29269375-T-C. GRCh37 (hg19) VCF-style: chr15-29561579-T-C.
Other names: c.-12-16897A>G (NM_001387217.1, NM_001387215.1, NM_001387216.1); c.277-16897A>G (NM_001387214.1, NM_015307.2); short protein forms I111V.
Identifiers: ClinVar variation 1984180 (VCV001984180.1), dbSNP rs761316328, ClinGen allele CA7446158.